The following is an entry in ClinVar:

ClinVar aggregate classification (germline): Uncertain significance (1 of 4 stars; one submission).

Allele frequency attached by ClinVar (database versions not stated): gnomAD exomes 0.00001.
gnomAD v4.1: 9 of 1,614,082 alleles (0.00056%); highest among the groups gnomAD compares: Non-Finnish European, 0.00076%; no homozygotes.

Submission:

GeneDx
Classification: Uncertain significance. Last evaluated: 2022-01-12. Review status: criteria provided, single submitter. Criteria: GeneDx Variant Classification Process June 2021. Collection method: clinical testing. Allele origin: germline. Affected: yes.
Comment: Not observed at significant frequency in large population cohorts (gnomAD); In silico analysis supports that this variant does not alter splicing; Has not been previously published as pathogenic or benign to our knowledge

NM_001348323.3(TRIP12):c.1282G>C (p.Val428Leu)

Gene: TRIP12 (thyroid hormone receptor interactor 12; minus strand). Cytogenetic location: 2q36.3.
Variant type: single nucleotide variant.
Coding change: c.1282G>C on transcript NM_001348323.3 (MANE Select); coding-DNA position 1282, G replaced by C.
Protein change: p.Val428Leu; replaces valine 428 with leucine.
Molecular consequence: missense variant. On other transcripts: intron variant (1).
Genome position (GRCh38, 1-based): chr2:229,830,828, C>G on the plus strand (G>C on the coding strand, the complement: TRIP12 is on the minus strand). VCF-style: chr2-229830828-C-G. GRCh37 (hg19) VCF-style: chr2-230695544-C-G.
Other names: c.1282G>C, p.Val428Leu (NM_001284214.2, NM_001348315.2, NM_001348319.1 and 11 more transcripts); c.1156G>C, p.Val386Leu (NM_001284215.2, NM_001348316.2, NM_001348317.1 and 2 more transcripts); c.247G>C, p.Val83Leu (NM_001284216.2); c.1195G>C, p.Val399Leu (NM_001348332.1); c.1145-7G>C (NM_004238.3); short protein forms V386L, V399L, V428L, V83L.
Identifiers: ClinVar variation 1696986 (VCV001696986.2), dbSNP rs2053151028, ClinGen allele CA350883803.